The following is an entry in ClinVar:

NM_014239.4(EIF2B2):c.829C>T (p.Gln277Ter)

Gene: EIF2B2 (eukaryotic translation initiation factor 2B subunit beta; plus strand). Cytogenetic location: 14q24.3.
Variant type: single nucleotide variant.
Coding change: c.829C>T on transcript NM_014239.4 (MANE Select); coding-DNA position 829, C replaced by T.
Protein change: p.Gln277Ter; replaces glutamine 277 with a stop codon.
Molecular consequence: nonsense.
Genome position (GRCh38, 1-based): chr14:75,006,712, C>T. VCF-style: chr14-75006712-C-T. GRCh37 (hg19) VCF-style: chr14-75473415-C-T.
Other names: short protein forms Q277*.
Identifiers: ClinVar variation 1804795 (VCV001804795.1), dbSNP rs374037958, ClinGen allele CA263655466.
Genomic context (GRCh38, chr14:75,006,712, plus strand): 5'-GCAGCAAAACACCATTCCACCCCACTCATCGTCTGTGCACCTATGTTCAAACTTTCTCCA[C>T]AGGTAAGTGTGTCTGTCTCTAGCTAGAAGCCAGCAGAAAAGAAGGAAGCCAAAGGGTAGG-3'

ClinVar aggregate classification (germline): Likely pathogenic (1 of 4 stars; one submission).

Conditions:
Vanishing white matter disease. Also called: Childhood ataxia with diffuse central nervous system hypomyelination; Leukoencephalopathy with vanishing white matter; CACH/VWM syndrome; Cree leukoencehalopathy; CACH syndrome. Identifiers: Orphanet 135, Orphanet 99853, MedGen C1858991, MONDO:0800448.

Allele frequency attached by ClinVar (database versions not stated): ESP Exome Variant Server 0.00008; gnomAD 0.00001; gnomAD exomes 0.00001; TOPMed 0.00001.

Submission:

Women's Health and Genetics/Laboratory Corporation of America, LabCorp
Classification: Likely pathogenic for Vanishing white matter disease. Last evaluated: 2022-11-25. Review status: criteria provided, single submitter. Criteria: LabCorp Variant Classification Summary - May 2015. Collection method: clinical testing. Allele origin: germline.
Comment: Variant summary: EIF2B2 c.829C>T (p.Gln277X) results in a premature termination codon, predicted to cause a truncation of the encoded protein or absence of the protein due to nonsense mediated decay, which are commonly known mechanisms for disease. The variant was absent in 251394 control chromosomes (gnomAD). To our knowledge, no occurrence of c.829C>T in individuals affected with Leukoencephalopathy With Vanishing White Matter and no experimental evidence demonstrating its impact on protein function have been reported. No clinical diagnostic laboratories have submitted clinical-significance assessments for this variant to ClinVar after 2014. Based on the evidence outlined above, the variant was classified as likely pathogenic.